The following is an entry in ClinVar:

ClinVar aggregate classification (germline): Uncertain significance. Review status: criteria provided, multiple submitters, no conflicts (2 of 4 stars). 2 submissions from 2 submitters: Uncertain significance (2). Last evaluated 2025-05-05.

Conditions:
Inborn genetic diseases. Identifiers: MedGen C0950123, MeSH D030342.

Allele frequency attached by ClinVar (database versions not stated): gnomAD 0.00002; ExAC 0.00006; gnomAD exomes 0.00002 and 0.00005; TOPMed 0.00005.
gnomAD v4.1: 31 of 1,613,852 alleles (0.0019%); highest among the groups gnomAD compares: Admixed American, 0.028%; no homozygotes.

Submissions (2):

Ambry Genetics
Classification: Uncertain significance for Inborn genetic diseases. Last evaluated: 2025-05-05. Review status: criteria provided, single submitter. Criteria: Ambry Variant Classification Scheme 2023. Collection method: clinical testing. Allele origin: germline.

Labcorp Genetics (formerly Invitae), Labcorp
Classification: Uncertain significance. Last evaluated: 2022-09-27. Review status: criteria provided, single submitter. Criteria: Invitae Variant Classification Sherloc (09022015). Collection method: clinical testing. Allele origin: germline.
Comment: This sequence change replaces tyrosine, which is neutral and polar, with cysteine, which is neutral and slightly polar, at codon 1334 of the ZNF335 protein (p.Tyr1334Cys). This variant is present in population databases (rs199912926, gnomAD 0.03%). This variant has not been reported in the literature in individuals affected with ZNF335-related conditions. ClinVar contains an entry for this variant (Variation ID: 1413326). Algorithms developed to predict the effect of missense changes on protein structure and function (SIFT, PolyPhen-2, Align-GVGD) all suggest that this variant is likely to be disruptive. In summary, the available evidence is currently insufficient to determine the role of this variant in disease. Therefore, it has been classified as a Variant of Uncertain Significance.

NM_022095.4(ZNF335):c.4001A>G (p.Tyr1334Cys)

Gene: ZNF335 (zinc finger protein 335; minus strand). Cytogenetic location: 20q13.12.
Variant type: single nucleotide variant.
Coding change: c.4001A>G on transcript NM_022095.4 (MANE Select); coding-DNA position 4001, A replaced by G.
Protein change: p.Tyr1334Cys; replaces tyrosine 1334 with cysteine.
Molecular consequence: missense variant.
Genome position (GRCh38, 1-based): chr20:45,948,981, T>C on the plus strand (A>G on the coding strand, the complement: ZNF335 is on the minus strand). VCF-style: chr20-45948981-T-C. GRCh37 (hg19) VCF-style: chr20-44577620-T-C.
Other names: c.4001A>G (NM_022095.3); short protein forms Y1334C.
Identifiers: ClinVar variation 1413326 (VCV001413326.4), dbSNP rs199912926, ClinGen allele CA9884740.